The following is an entry in ClinVar:

ClinVar aggregate classification (germline): Uncertain significance (1 of 4 stars; one submission).

Allele frequency attached by ClinVar (database versions not stated): gnomAD 0.00001; TOPMed 0.00001; ExAC 0.00002; gnomAD exomes 0.00002 and 0.00003; 1000 Genomes Project 30x 0.00016; 1000 Genomes Project 0.00020.
gnomAD v4.1: 39 of 1,606,398 alleles (0.0024%); highest among the groups gnomAD compares: Non-Finnish European, 0.0028%; no homozygotes.

Submission:

Labcorp Genetics (formerly Invitae), Labcorp
Classification: Uncertain significance. Last evaluated: 2023-08-10. Review status: criteria provided, single submitter. Criteria: Invitae Variant Classification Sherloc (09022015). Collection method: clinical testing. Allele origin: germline.
Comment: This sequence change replaces arginine, which is basic and polar, with cysteine, which is neutral and slightly polar, at codon 2511 of the ACAN protein (p.Arg2511Cys). This variant is present in population databases (rs571382991, gnomAD 0.004%). This variant has not been reported in the literature in individuals affected with ACAN-related conditions. ClinVar contains an entry for this variant (Variation ID: 1377986). An algorithm developed to predict the effect of missense changes on protein structure and function (PolyPhen-2) suggests that this variant is likely to be disruptive. In summary, the available evidence is currently insufficient to determine the role of this variant in disease. Therefore, it has been classified as a Variant of Uncertain Significance.

NM_001369268.1(ACAN):c.7645C>T (p.Arg2549Cys)

Gene: ACAN (aggrecan; plus strand). Cytogenetic location: 15q26.1.
Variant type: single nucleotide variant.
Coding change: c.7645C>T on transcript NM_001369268.1 (MANE Select); coding-DNA position 7645, C replaced by T.
Protein change: p.Arg2549Cys; replaces arginine 2549 with cysteine.
Molecular consequence: missense variant.
Genome position (GRCh38, 1-based): chr15:88,874,419, C>T. VCF-style: chr15-88874419-C-T. GRCh37 (hg19) VCF-style: chr15-89417650-C-T.
Other names: c.7234C>T, p.Arg2412Cys (NM_001135.4); c.7531C>T, p.Arg2511Cys (NM_013227.4); short protein forms R2412C, R2511C, R2549C.
Identifiers: ClinVar variation 1377986 (VCV001377986.8), dbSNP rs571382991, ClinGen allele CA7720782.
Genomic context (GRCh38, chr15:88,874,419, plus strand): 5'-TTCTTTCCAGGTCCACTGATATCTTTCCATCTCCCTTTCGTCCTAGCCACCACCTACAAA[C>T]GCAGACTACAGAAGCGGAGCTCACGGCACCCTCGGAGGAGCCGCCCCAGCACAGCCCACT-3'
Protein context (NP_001356197.1, residues 2539-2559): ITCTDPTTYK[Arg2549Cys]RLQKRSSRHP